The following is an entry in ClinVar:

ClinVar aggregate classification (germline): Uncertain significance (1 of 4 stars; one submission).

Conditions:
Cowden syndrome 6 (CWS6). Identifiers: Orphanet 201, MedGen C3554519, MONDO:0014048, OMIM 615109.

Allele frequency attached by ClinVar (database versions not stated): gnomAD exomes 0.00002 and 0.00004; TOPMed 0.00002; ExAC 0.00004.
gnomAD v4.1: 44 of 1,611,232 alleles (0.0027%); highest among the groups gnomAD compares: Non-Finnish European, 0.0034%; no homozygotes.

Submission:

Labcorp Genetics (formerly Invitae), Labcorp
Classification: Uncertain significance for Cowden syndrome 6. Last evaluated: 2023-12-30. Review status: criteria provided, single submitter. Criteria: Invitae Variant Classification Sherloc (09022015). Collection method: clinical testing. Allele origin: germline.
Comment: This sequence change replaces valine, which is neutral and non-polar, with methionine, which is neutral and non-polar, at codon 4 of the AKT1 protein (p.Val4Met). This variant is present in population databases (rs754031503, gnomAD 0.02%). This variant has not been reported in the literature in individuals affected with AKT1-related conditions. ClinVar contains an entry for this variant (Variation ID: 410911). An algorithm developed to predict the effect of missense changes on protein structure and function (PolyPhen-2) suggests that this variant is likely to be tolerated. In summary, the available evidence is currently insufficient to determine the role of this variant in disease. Therefore, it has been classified as a Variant of Uncertain Significance.

NM_001382430.1(AKT1):c.10G>A (p.Val4Met)

Gene: AKT1 (AKT serine/threonine kinase 1; minus strand). Cytogenetic location: 14q32.33.
Variant type: single nucleotide variant.
Coding change: c.10G>A on transcript NM_001382430.1 (MANE Select); coding-DNA position 10, G replaced by A.
Protein change: p.Val4Met; replaces valine 4 with methionine.
Molecular consequence: missense variant.
Genome position (GRCh38, 1-based): chr14:104,792,634, C>T on the plus strand (G>A on the coding strand, the complement: AKT1 is on the minus strand). VCF-style: chr14-104792634-C-T. GRCh37 (hg19) VCF-style: chr14-105258971-C-T.
Other names: c.10G>A, p.Val4Met (NM_001014431.2, NM_001014432.2, NM_001382431.1 and 3 more transcripts); short protein forms V4M.
Identifiers: ClinVar variation 410911 (VCV000410911.9), dbSNP rs754031503, ClinGen allele CA7374949.